The following is an entry in ClinVar:

NM_001291415.2(KDM6A):c.4332+3A>T

Gene: KDM6A (lysine demethylase 6A; plus strand). Cytogenetic location: Xp11.3.
Variant type: single nucleotide variant.
Coding change: c.4332+3A>T on transcript NM_001291415.2 (MANE Select); 3 bases into the intron after coding-DNA position 4332, A replaced by T.
Molecular consequence: intron variant.
Genome position (GRCh38, 1-based): chrX:45,110,252, A>T. VCF-style: chrX-45110252-A-T. GRCh37 (hg19) VCF-style: chrX-44969497-A-T.
Other names: c.4176+3A>T (NM_021140.4); c.4197+3A>T (NM_001291416.2); c.4041+3A>T (NM_001291417.2); c.3939+3A>T (NM_001291418.2); c.3288+3A>T (NM_001291421.2).
Identifiers: ClinVar variation 1312929 (VCV001312929.2), dbSNP rs2148308491, ClinGen allele CA2573055329.
Genomic context (GRCh38, chrX:45,110,252, plus strand): 5'-GGTGCTAGAACAGTACAAAATGGAGGACCTGATGCAAGTCTATGACCAATTTACATTAGT[A>T]AGTCAAATCAACATGTGAGTACATAGTTAGCTGGGTTATGAAGCAGCAGTGTTTGCTCTG-3'

ClinVar aggregate classification (germline): Uncertain significance (1 of 4 stars; one submission).

Submission:

GeneDx
Classification: Uncertain significance. Last evaluated: 2020-07-15. Review status: criteria provided, single submitter. Criteria: GeneDx Variant Classification Process June 2021. Collection method: clinical testing. Allele origin: germline. Affected: yes.
Comment: Not observed in large population cohorts (Lek et al., 2016); In silico analysis supports a deleterious effect on splicing; Has not been previously published as pathogenic or benign to our knowledge